The following is an entry in ClinVar:

NM_206926.2(SELENON):c.125_136del (p.Ala42_Ala45del)

Gene: SELENON (selenoprotein N; plus strand). Cytogenetic location: 1p36.11.
Variant type: Deletion.
Coding change: c.125_136del on transcript NM_206926.2 (MANE Select); coding-DNA positions 125 to 136, 12 bases deleted (CTGCCGCCGCCG).
Protein change: p.Ala42_Ala45del.
Genome position (GRCh38, 1-based): chr1:25,800,355-25,800,366, CTGCCGCCGCCG deleted; deleting any 12 consecutive bases within chr1:25,800,345-25,800,366 gives the same sequence; the c. name uses the placement nearest the transcript's 3' end. VCF-style (leftmost placement, unchanged base first): chr1-25800344-GGCCGCCGCCGCT-G. GRCh37 (hg19) VCF-style: chr1-26126835-GGCCGCCGCCGCT-G.
Other names: c.125_136del, p.Ala42_Ala45del (NM_020451.3).
Identifiers: ClinVar variation 3372994 (VCV003372994.1).

ClinVar aggregate classification (germline): Uncertain significance (1 of 4 stars; one submission).

Submission:

GeneDx
Classification: Uncertain significance. Last evaluated: 2024-05-01. Review status: criteria provided, single submitter. Criteria: GeneDx Variant Classification Process June 2021. Collection method: clinical testing. Allele origin: germline. Affected: yes.
Comment: Not observed at significant frequency in large population cohorts (gnomAD); In-frame deletion of 4 amino acids in a non-repeat region; In silico analysis supports a deleterious effect on protein structure/function; Has not been previously published as pathogenic or benign to our knowledge